The following is an entry in ClinVar:

ClinVar aggregate classification (germline): Likely benign. Review status: criteria provided, multiple submitters, no conflicts (2 of 4 stars). 3 submissions from 3 submitters: Likely benign (3). Last evaluated 2025-12-20.

Conditions:
Autosomal recessive limb-girdle muscular dystrophy type 2J (LGMDR10). Also called: MUSCULAR DYSTROPHY, LIMB-GIRDLE, AUTOSOMAL RECESSIVE 10; Limb-girdle muscular dystrophy, type 2J. Identifiers: Orphanet 140922, MedGen C1837342, MONDO:0012127, OMIM 608807.
Dilated cardiomyopathy 1G (CMD1G). Identifiers: Orphanet 154, MedGen C1858763, MONDO:0011400, OMIM 604145.
Cardiovascular phenotype. Identifiers: MedGen CN230736.

Allele frequency attached by ClinVar (database versions not stated): gnomAD exomes below 0.00001.
gnomAD v4.1: 3 of 1,614,132 alleles (0.00019%); highest among the groups gnomAD compares: Non-Finnish European, 0.00025%; no homozygotes.

Submissions (3):

Labcorp Genetics (formerly Invitae), Labcorp
Classification: Likely benign for Dilated cardiomyopathy 1G; Autosomal recessive limb-girdle muscular dystrophy type 2J. Last evaluated: 2025-12-20. Review status: criteria provided, single submitter. Criteria: Invitae Variant Classification Sherloc (09022015). Collection method: clinical testing. Allele origin: germline.

Molecular Diagnostic Laboratory for Inherited Cardiovascular Disease, Montreal Heart Institute
Classification: Likely benign. Last evaluated: 2025-04-09. Review status: criteria provided, single submitter. Criteria: ACMG Guidelines, 2015. Collection method: clinical testing. Allele origin: germline. Affected: no.
Comment: BP6;BP7

Ambry Genetics
Classification: Likely benign for Cardiovascular phenotype. Last evaluated: 2020-11-01. Review status: criteria provided, single submitter. Criteria: Ambry Variant Classification Scheme 2023. Collection method: clinical testing. Allele origin: germline.

NM_001267550.2(TTN):c.810T>C (p.Ser270=)

Gene: TTN (titin; minus strand). Cytogenetic location: 2q31.2.
Variant type: single nucleotide variant.
Coding change: c.810T>C on transcript NM_001267550.2 (MANE Select); coding-DNA position 810, T replaced by C.
Protein change: p.Ser270=; no amino-acid change (serine 270 retained).
Molecular consequence: synonymous variant.
Genome position (GRCh38, 1-based): chr2:178,799,591, A>G on the plus strand (T>C on the coding strand, the complement: TTN is on the minus strand). VCF-style: chr2-178799591-A-G. GRCh37 (hg19) VCF-style: chr2-179664318-A-G.
Other names: c.810T>C, p.Ser270= (NM_001256850.1, NM_003319.4, NM_133378.4 and 3 more transcripts).
Identifiers: ClinVar variation 1762043 (VCV001762043.8), dbSNP rs1426100640, ClinGen allele CA430283384.
Genomic context (GRCh38, chr2:178,799,591, plus strand): 5'-AGGGGAGTGTCTTATGGGCGATGGGGACTGCTGCCGAGCCAGCTGTGCTTTGGCAGCAAT[A>G]GACGGTGGTGTTGGGGATCTTGACTTTGGCTTCGGAGGAATCCTGGGAGGTGTTTTATGT-3'
Protein context (NP_001254479.2, residues 260-280): KPKSRSPTPP[Ser270=]IAAKAQLARQ